The following is an entry in ClinVar:

NM_032520.5(GNPTG):c.26T>A (p.Leu9Gln)

Genes: GNPTG (N-acetylglucosamine-1-phosphate transferase subunit gamma; plus strand), LOC130058158 (ATAC-STARR-seq lymphoblastoid silent region 6972; plus strand). Cytogenetic location: 16p13.3.
Variant type: single nucleotide variant.
Coding change: c.26T>A on transcript NM_032520.5 (MANE Select); coding-DNA position 26, T replaced by A.
Protein change: p.Leu9Gln; replaces leucine 9 with glutamine.
Molecular consequence: missense variant.
Genome position (GRCh38, 1-based): chr16:1,351,991, T>A. VCF-style: chr16-1351991-T-A. GRCh37 (hg19) VCF-style: chr16-1401992-T-A.
Other names: short protein forms L9Q.
Identifiers: ClinVar variation 1521637 (VCV001521637.7), dbSNP rs772239803, ClinGen allele CA394183841.

ClinVar aggregate classification (germline): Uncertain significance. Review status: criteria provided, multiple submitters, no conflicts (2 of 4 stars). 2 submissions from 2 submitters: Uncertain significance (2). Last evaluated 2024-08-16.

Submissions (2):

Blueprint Genetics
Classification: Uncertain significance. Last evaluated: 2024-08-16. Review status: criteria provided, single submitter. Criteria: ACMG Guidelines, 2015. Collection method: clinical testing. Allele origin: germline.

Labcorp Genetics (formerly Invitae), Labcorp
Classification: Uncertain significance. Last evaluated: 2022-06-05. Review status: criteria provided, single submitter. Criteria: Invitae Variant Classification Sherloc (09022015). Collection method: clinical testing. Allele origin: germline.
Comment: This variant has not been reported in the literature in individuals affected with GNPTG-related conditions. This variant is not present in population databases (gnomAD no frequency). This sequence change replaces leucine, which is neutral and non-polar, with glutamine, which is neutral and polar, at codon 9 of the GNPTG protein (p.Leu9Gln). In summary, the available evidence is currently insufficient to determine the role of this variant in disease. Therefore, it has been classified as a Variant of Uncertain Significance. Algorithms developed to predict the effect of sequence changes on RNA splicing suggest that this variant may create or strengthen a splice site. Algorithms developed to predict the effect of missense changes on protein structure and function are either unavailable or do not agree on the potential impact of this missense change (SIFT: "Tolerated"; PolyPhen-2: "Not Available"; Align-GVGD: "Class C0"). ClinVar contains an entry for this variant (Variation ID: 1521637).